The following is an entry in ClinVar:

NM_001110556.2(FLNA):c.5140G>A (p.Ala1714Thr)

Gene: FLNA (filamin A; minus strand). Cytogenetic location: Xq28.
Variant type: single nucleotide variant.
Coding change: c.5140G>A on transcript NM_001110556.2 (MANE Select); coding-DNA position 5140, G replaced by A.
Protein change: p.Ala1714Thr; replaces alanine 1714 with threonine.
Molecular consequence: missense variant.
Genome position (GRCh38, 1-based): chrX:154,354,902, C>T on the plus strand (G>A on the coding strand, the complement: FLNA is on the minus strand). VCF-style: chrX-154354902-C-T. GRCh37 (hg19) VCF-style: chrX-153583270-C-T.
Other names: c.5116G>A, p.Ala1706Thr (NM_001456.4); short protein forms A1706T, A1714T.
Identifiers: ClinVar variation 264252 (VCV000264252.5), dbSNP rs886039102, ClinGen allele CA10587969.

ClinVar aggregate classification (germline): Uncertain significance (1 of 4 stars; one submission).

Conditions:
Familial thoracic aortic aneurysm and aortic dissection (TAAD). Also called: Thoracic aortic aneurysms and dissections. Identifiers: Orphanet 91387, MedGen C4707243, MONDO:0019625.

Allele frequency attached by ClinVar (database versions not stated): gnomAD exomes below 0.00001.
gnomAD v4.1: 2 of 1,212,081 alleles (0.00017%); highest among the groups gnomAD compares: Non-Finnish European, 0.00022%; no homozygotes.

Submission:

Ambry Genetics
Classification: Uncertain significance for Familial thoracic aortic aneurysm and aortic dissection. Last evaluated: 2015-08-05. Review status: criteria provided, single submitter. Criteria: Ambry Variant Classification Scheme 2023. Collection method: clinical testing. Allele origin: germline.
Comment: The p.A1706T variant (also known as c.5116G>A), located in coding exon 29 of the FLNA gene, results from a G to A substitution at nucleotide position 5116. The alanine at codon 1706 is replaced by threonine, an amino acid with similar properties. This variant was not reported in population based cohorts in the following databases: Database of Single Nucleotide Polymorphisms (dbSNP), NHLBI Exome Sequencing Project (ESP), and 1000 Genomes Project. In the ESP, this variant was not observed in 6401 samples with coverage at this position. This amino acid position is highly conserved in available vertebrate species. In addition, this alteration is predicted to be deleterious by in silico analysis. Since supporting evidence is limited at this time, the clinical significance of this variant remains unclear.